The following is an entry in ClinVar:

NM_006231.4(POLE):c.2399T>C (p.Leu800Pro)

Gene: POLE (DNA polymerase epsilon, catalytic subunit; minus strand). Cytogenetic location: 12q24.33.
Variant type: single nucleotide variant.
Coding change: c.2399T>C on transcript NM_006231.4 (MANE Select); coding-DNA position 2399, T replaced by C.
Protein change: p.Leu800Pro; replaces leucine 800 with proline.
Molecular consequence: missense variant.
Genome position (GRCh38, 1-based): chr12:132,665,371, A>G on the plus strand (T>C on the coding strand, the complement: POLE is on the minus strand). VCF-style: chr12-132665371-A-G. GRCh37 (hg19) VCF-style: chr12-133241957-A-G.
Other names: short protein forms L800P.
Identifiers: ClinVar variation 1809965 (VCV001809965.5), dbSNP rs373379724, ClinGen allele CA246319308.
Genomic context (GRCh38, chr12:132,665,371, plus strand): 5'-ATGACATAGCCATAGAAGGAGTTCAGGATGCACTTGTGGGCCAGCTGCAGCGAGTCATAC[A>G]GCACCTCCATGTTCTTGCAGCGCTTCACCTCAGCCGCGTCGCCCACCTCCACGGCCGCCG-3'
Protein context (NP_006222.2, residues 790-810): EVKRCKNMEV[Leu800Pro]YDSLQLAHKC

ClinVar aggregate classification (germline): Uncertain significance. Review status: criteria provided, multiple submitters, no conflicts (2 of 4 stars). 3 submissions from 3 submitters: Uncertain significance (3). Last evaluated 2024-09-20.

Conditions:
Hereditary cancer-predisposing syndrome. Also called: Neoplastic Syndromes, Hereditary; Hereditary neoplastic syndrome; Hereditary Cancer Syndrome; Tumor predisposition. Identifiers: Orphanet 140162, MedGen C0027672, MeSH D009386, MONDO:0015356.

Allele frequency attached by ClinVar (database versions not stated): TOPMed 0.00001; ESP Exome Variant Server 0.00008.
gnomAD v4.1: 1 of 1,614,008 alleles (0.000062%); no homozygotes.

Submissions (3):

Ambry Genetics
Classification: Uncertain significance for Hereditary cancer-predisposing syndrome. Last evaluated: 2024-09-20. Review status: criteria provided, single submitter. Criteria: Ambry Variant Classification Scheme 2023. Collection method: clinical testing. Allele origin: germline.
Comment: The p.L800P variant (also known as c.2399T>C), located in coding exon 21 of the POLE gene, results from a T to C substitution at nucleotide position 2399. The leucine at codon 800 is replaced by proline, an amino acid with similar properties. This amino acid position is conserved. In addition, this alteration is predicted to be deleterious by in silico analysis. Based on the available evidence, the clinical significance of this variant remains unclear.

Labcorp Genetics (formerly Invitae), Labcorp
Classification: Uncertain significance. Last evaluated: 2024-09-04. Review status: criteria provided, single submitter. Criteria: Invitae Variant Classification Sherloc (09022015). Collection method: clinical testing. Allele origin: germline.
Comment: This sequence change replaces leucine, which is neutral and non-polar, with proline, which is neutral and non-polar, at codon 800 of the POLE protein (p.Leu800Pro). This variant is not present in population databases (gnomAD no frequency). This variant has not been reported in the literature in individuals affected with POLE-related conditions. ClinVar contains an entry for this variant (Variation ID: 1809965). Invitae Evidence Modeling of protein sequence and biophysical properties (such as structural, functional, and spatial information, amino acid conservation, physicochemical variation, residue mobility, and thermodynamic stability) indicates that this missense variant is expected to disrupt POLE protein function with a positive predictive value of 80%. In summary, the available evidence is currently insufficient to determine the role of this variant in disease. Therefore, it has been classified as a Variant of Uncertain Significance.

GeneDx
Classification: Uncertain significance. Last evaluated: 2022-06-27. Review status: criteria provided, single submitter. Criteria: GeneDx Variant Classification Process June 2021. Collection method: clinical testing. Allele origin: germline. Affected: yes.
Comment: Not observed at significant frequency in large population cohorts (gnomAD); In silico analysis supports that this missense variant has a deleterious effect on protein structure/function; Has not been previously published as pathogenic or benign to our knowledge